The following is an entry in ClinVar:

NM_177438.3(DICER1):c.145-15T>C

Gene: DICER1 (dicer 1, ribonuclease III; minus strand). Cytogenetic location: 14q32.13.
Variant type: single nucleotide variant.
Coding change: c.145-15T>C on transcript NM_177438.3 (MANE Select); 15 bases into the intron before coding-DNA position 145, T replaced by C.
Molecular consequence: intron variant.
Genome position (GRCh38, 1-based): chr14:95,132,692, A>G on the plus strand (T>C on the coding strand, the complement: DICER1 is on the minus strand). VCF-style: chr14-95132692-A-G. GRCh37 (hg19) VCF-style: chr14-95599029-A-G.
Other names: c.145-15T>C (NM_001291628.2, NM_030621.4, NM_001271282.3 and 1 more transcripts).
Identifiers: ClinVar variation 1592795 (VCV001592795.10), dbSNP rs1377575244, ClinGen allele CA710141043.

ClinVar aggregate classification (germline): Likely benign. Review status: criteria provided, multiple submitters, no conflicts (2 of 4 stars). 2 submissions from 2 submitters: Likely benign (2). Last evaluated 2026-04-10.

Conditions:
DICER1-related tumor predisposition. Also called: DICER1-related pleuropulmonary blastoma cancer predisposition syndrome; DICER1 syndrome. Identifiers: Orphanet 284343, MedGen C3839822, MONDO:0100216.

Allele frequency attached by ClinVar (database versions not stated): gnomAD exomes below 0.00001; TOPMed below 0.00001.
gnomAD v4.1: 4 of 1,609,262 alleles (0.00025%); highest among the groups gnomAD compares: African/African-American, 0.0013%; no homozygotes.

Submissions (2):

Myriad Genetics, Inc.
Classification: Likely benign for DICER1-related tumor predisposition. Last evaluated: 2026-04-10. Review status: criteria provided, single submitter. Criteria: Myriad Autosomal Dominant, Autosomal Recessive and X-Linked Classification Criteria (2023). Collection method: clinical testing. Allele origin: unknown.
Comment: This variant is considered likely benign. This variant is intronic and is not expected to impact mRNA splicing.

Labcorp Genetics (formerly Invitae), Labcorp
Classification: Likely benign for DICER1-related tumor predisposition. Last evaluated: 2023-04-26. Review status: criteria provided, single submitter. Criteria: Invitae Variant Classification Sherloc (09022015). Collection method: clinical testing. Allele origin: germline.